The following is an entry in ClinVar:

ClinVar aggregate classification (germline): Uncertain significance (1 of 4 stars; one submission).

Conditions:
Senior-Loken syndrome 7 (SLSN7). Identifiers: Orphanet 3156, MedGen C3150877, MONDO:0013326, OMIM 613615.
Bardet-Biedl syndrome 16 (BBS16). Identifiers: Orphanet 110, MedGen C3889474, MONDO:0014444, OMIM 615993.

Submission:

Labcorp Genetics (formerly Invitae), Labcorp
Classification: Uncertain significance for Bardet-Biedl syndrome 16; Senior-Loken syndrome 7. Last evaluated: 2021-04-06. Review status: criteria provided, single submitter. Criteria: Invitae Variant Classification Sherloc (09022015). Collection method: clinical testing. Allele origin: germline.
Comment: This sequence change replaces threonine with asparagine at codon 590 of the SDCCAG8 protein (p.Thr590Asn). The threonine residue is highly conserved and there is a small physicochemical difference between threonine and asparagine. This variant is not present in population databases (ExAC no frequency). This variant has not been reported in the literature in individuals with SDCCAG8-related conditions. Algorithms developed to predict the effect of missense changes on protein structure and function are either unavailable or do not agree on the potential impact of this missense change (SIFT: "Deleterious"; PolyPhen-2: "Possibly Damaging"; Align-GVGD: "Class C15"). In summary, the available evidence is currently insufficient to determine the role of this variant in disease. Therefore, it has been classified as a Variant of Uncertain Significance.

NM_006642.5(SDCCAG8):c.1769C>A (p.Thr590Asn)

Gene: SDCCAG8 (SHH signaling and ciliogenesis regulator SDCCAG8; plus strand). Cytogenetic location: 1q43.
Variant type: single nucleotide variant.
Coding change: c.1769C>A on transcript NM_006642.5 (MANE Select); coding-DNA position 1769, C replaced by A.
Protein change: p.Thr590Asn; replaces threonine 590 with asparagine.
Molecular consequence: missense variant.
Genome position (GRCh38, 1-based): chr1:243,417,992, C>A. VCF-style: chr1-243417992-C-A. GRCh37 (hg19) VCF-style: chr1-243581294-C-A.
Other names: c.866C>A, p.Thr289Asn (NM_001350246.2, NM_001350247.2, NM_001350251.2); c.1865C>A, p.Thr622Asn (NM_001350248.2); c.1475C>A, p.Thr492Asn (NM_001350249.2); short protein forms T590N, T289N, T492N, T622N.
Identifiers: ClinVar variation 1355096 (VCV001355096.8), dbSNP rs2148018533, ClinGen allele CA345667428.